The following is an entry in ClinVar:

NM_134261.3(RORA):c.999del (p.Gln332_Tyr333insTer)

Genes: RORA (RAR related orphan receptor A; minus strand), RORA-AS1 (RORA antisense RNA 1; plus strand). Cytogenetic location: 15q22.2.
Variant type: Deletion.
Coding change: c.999del on transcript NM_134261.3 (MANE Select); coding-DNA position 999, one base deleted (T; older notation c.999delT).
Protein change: p.Gln332_Tyr333insTer.
Molecular consequence: nonsense.
Genome position (GRCh38, 1-based): chr15:60,503,611, A deleted on the plus strand (T on the coding strand, the reverse complement: RORA is on the minus strand). VCF-style (leftmost placement, unchanged base first): chr15-60503610-CA-C. GRCh37 (hg19) VCF-style: chr15-60795809-CA-C.
Other names: c.1074del, p.Gln357_Tyr358insTer (NM_002943.4); c.1098del, p.Gln365_Tyr366insTer (NM_134260.3); c.834del, p.Gln277_Tyr278insTer (NM_134262.3).
Identifiers: ClinVar variation 4076384 (VCV004076384.1).

ClinVar aggregate classification (germline): Likely pathogenic (1 of 4 stars; one submission).

Conditions:
Intellectual developmental disorder with or without epilepsy or cerebellar ataxia. Identifiers: MedGen C4748041, MONDO:0060745, OMIM 618060.

Submission:

Laboratorio de Genetica e Diagnostico Molecular, Hospital Israelita Albert Einstein
Classification: Likely pathogenic for Intellectual developmental disorder with or without epilepsy or cerebellar ataxia. Last evaluated: 2024-10-24. Review status: criteria provided, single submitter. Criteria: ACMG Guidelines, 2015. Collection method: clinical testing. Allele origin: germline. Affected: yes.
Comment: ACMG classification criteria: PVS1 very strong, PM2 supporting